The following is an entry in ClinVar:

NM_004638.4(PRRC2A):c.1675C>T (p.Pro559Ser)

Gene: PRRC2A (proline rich coiled-coil 2A; plus strand). Cytogenetic location: 6p21.33.
Variant type: single nucleotide variant.
Coding change: c.1675C>T on transcript NM_004638.4 (MANE Select); coding-DNA position 1675, C replaced by T.
Protein change: p.Pro559Ser; replaces proline 559 with serine.
Molecular consequence: missense variant.
Genome position (GRCh38, 1-based): chr6:31,628,149, C>T. VCF-style: chr6-31628149-C-T. GRCh37 (hg19) VCF-style: chr6-31595926-C-T.
Other names: c.1675C>T, p.Pro559Ser (NM_080686.3); short protein forms P559S.
Identifiers: ClinVar variation 3037429 (VCV003037429.2), dbSNP rs45544132, ClinGen allele CA3715451.
Genomic context (GRCh38, chr6:31,628,149, plus strand): 5'-GCCCCAACACCAGAGACAGAACCTGAAGAGCCAGCACAGGCCCCTCCTGCCCAATCTACT[C>T]CTACTCCAGGTGTGGCTGCGGCTCCCACTCTGGTGAGTGGTGGTGGCAGTACCAGTAGCA-3'
Protein context (NP_004629.3, residues 549-569): PAQAPPAQST[Pro559Ser]TPGVAAAPTL

ClinVar aggregate classification (germline): Benign (0 of 4 stars; one submission).

Conditions:
PRRC2A-related disorder. Also called: PRRC2A-related condition.

Allele frequency attached by ClinVar (database versions not stated): 1000 Genomes Project 0.00160; gnomAD 0.00189; 1000 Genomes Project 30x 0.00219; TOPMed 0.00240; ESP Exome Variant Server 0.00296.
gnomAD v4.1: 4,119 of 1,613,032 alleles (0.26%); highest among the groups gnomAD compares: Middle Eastern, 1.3%; 11 homozygotes.

Submission:

PreventionGenetics, part of Exact Sciences
Classification: Benign for PRRC2A-related condition. Last evaluated: 2019-05-02. Review status: no assertion criteria provided. Collection method: clinical testing. Allele origin: germline.
Comment: This variant is classified as benign based on ACMG/AMP sequence variant interpretation guidelines (Richards et al. 2015 PMID: 25741868, with internal and published modifications).